The following is an entry in ClinVar:

NM_024753.5(TTC21B):c.2553C>A (p.Ile851=)

Gene: TTC21B (tetratricopeptide repeat domain 21B; minus strand). Cytogenetic location: 2q24.3.
Variant type: single nucleotide variant.
Coding change: c.2553C>A on transcript NM_024753.5 (MANE Select); coding-DNA position 2553, C replaced by A.
Protein change: p.Ile851=; no amino-acid change (isoleucine 851 retained).
Molecular consequence: synonymous variant.
Genome position (GRCh38, 1-based): chr2:165,907,693, G>T on the plus strand (C>A on the coding strand, the complement: TTC21B is on the minus strand). VCF-style: chr2-165907693-G-T. GRCh37 (hg19) VCF-style: chr2-166764203-G-T.
Other names: c.2553C>A (NM_024753.4).
Identifiers: ClinVar variation 2139925 (VCV002139925.5), dbSNP rs760781450, ClinGen allele CA1941802.

ClinVar aggregate classification (germline): Likely benign. Review status: criteria provided, multiple submitters, no conflicts (2 of 4 stars). 2 submissions from 2 submitters: Likely benign (2). Last evaluated 2024-11-20.

Conditions:
TTC21B-related disorder. Also called: TTC21B-related condition; TTC21B-related disorders.
Jeune thoracic dystrophy. Also called: Short-rib thoracic dysplasia; Jeune syndrome; Infantile thoracic dystrophy; Thoracic pelvic phalangeal dystrophy; Jeune's syndrome; Chondroectodermal dysplasia-like syndrome. Identifiers: Orphanet 474, MedGen C0265275, MONDO:0018770.
Nephronophthisis. Also called: Juvenile Nephronophthisis. Identifiers: Orphanet 655, MedGen C0687120, MONDO:0019005, HP:0000090.

Allele frequency attached by ClinVar (database versions not stated): gnomAD 0.00001; TOPMed 0.00004.

Submissions (2):

PreventionGenetics, part of Exact Sciences
Classification: Likely benign for TTC21B-related condition. Last evaluated: 2024-11-20. Review status: criteria provided, single submitter. Criteria: ACMG Guidelines, 2015. Collection method: clinical testing. Allele origin: germline.
Comment: This variant is classified as likely benign based on ACMG/AMP sequence variant interpretation guidelines (Richards et al. 2015 PMID: 25741868, with internal and published modifications).

Labcorp Genetics (formerly Invitae), Labcorp
Classification: Likely benign for Jeune thoracic dystrophy; Nephronophthisis. Last evaluated: 2022-05-16. Review status: criteria provided, single submitter. Criteria: Invitae Variant Classification Sherloc (09022015). Collection method: clinical testing. Allele origin: germline.